The following is an entry in ClinVar:

ClinVar aggregate classification (germline): Uncertain significance (1 of 4 stars; one submission).

Submission:

GeneDx
Classification: Uncertain significance. Last evaluated: 2023-07-24. Review status: criteria provided, single submitter. Criteria: GeneDx Variant Classification Process June 2021. Collection method: clinical testing. Allele origin: germline. Affected: yes.
Comment: Not observed at significant frequency in large population cohorts (gnomAD); In silico analysis supports that this missense variant has a deleterious effect on protein structure/function; Has not been previously published as pathogenic or benign to our knowledge

NM_000834.5(GRIN2B):c.1637C>T (p.Ser546Leu)

Gene: GRIN2B (glutamate ionotropic receptor NMDA type subunit 2B; minus strand). Cytogenetic location: 12p13.1.
Variant type: single nucleotide variant.
Coding change: c.1637C>T on transcript NM_000834.5 (MANE Select); coding-DNA position 1637, C replaced by T.
Protein change: p.Ser546Leu; replaces serine 546 with leucine.
Molecular consequence: missense variant.
Genome position (GRCh38, 1-based): chr12:13,615,131, G>A on the plus strand (C>T on the coding strand, the complement: GRIN2B is on the minus strand). VCF-style: chr12-13615131-G-A. GRCh37 (hg19) VCF-style: chr12-13768065-G-A.
Other names: c.1637C>T, p.Ser546Leu (NM_001413992.1); short protein forms S546L.
Identifiers: ClinVar variation 3361256 (VCV003361256.1).